The following is an entry in ClinVar:

NM_021076.4(NEFH):c.2061A>G (p.Glu687=)

Gene: NEFH (neurofilament heavy chain; plus strand). Cytogenetic location: 22q12.2.
Variant type: single nucleotide variant.
Coding change: c.2061A>G on transcript NM_021076.4 (MANE Select); coding-DNA position 2061, A replaced by G.
Protein change: p.Glu687=; no amino-acid change (glutamic acid 687 retained).
Molecular consequence: synonymous variant.
Genome position (GRCh38, 1-based): chr22:29,489,701, A>G. VCF-style: chr22-29489701-A-G. GRCh37 (hg19) VCF-style: chr22-29885690-A-G.
Identifiers: ClinVar variation 1951684 (VCV001951684.29), dbSNP rs2146400566, ClinGen allele CA514273600.

ClinVar aggregate classification (germline): Likely benign. Review status: criteria provided, multiple submitters, no conflicts (2 of 4 stars). 2 submissions from 2 submitters: Likely benign (2). Last evaluated 2025-09-01.

Submissions (2):

CeGaT Center for Human Genetics Tuebingen
Classification: Likely benign. Last evaluated: 2025-09-01. Review status: criteria provided, single submitter. Criteria: CeGaT Center For Human Genetics Tuebingen Variant Classification Criteria Version 2. Collection method: clinical testing. Allele origin: germline. Affected: yes. Observed: 3 variant alleles.
Comment: NEFH: PM2:Supporting, BP4, BP7

Labcorp Genetics (formerly Invitae), Labcorp
Classification: Likely benign. Last evaluated: 2022-04-13. Review status: criteria provided, single submitter. Criteria: Invitae Variant Classification Sherloc (09022015). Collection method: clinical testing. Allele origin: germline.